The following is an entry in ClinVar:

NM_000202.8(IDS):c.1028G>T (p.Gly343Val)

Genes: IDS (iduronate 2-sulfatase; minus strand), LOC106050102 (IDS recombination region; plus strand). Cytogenetic location: Xq28.
Variant type: single nucleotide variant.
Coding change: c.1028G>T on transcript NM_000202.8 (MANE Select); coding-DNA position 1028, G replaced by T.
Protein change: p.Gly343Val; replaces glycine 343 with valine.
Molecular consequence: missense variant.
Genome position (GRCh38, 1-based): chrX:149,487,077, C>A on the plus strand (G>T on the coding strand, the complement: IDS is on the minus strand). VCF-style: chrX-149487077-C-A. GRCh37 (hg19) VCF-style: chrX-148568608-C-A.
Other names: c.758G>T, p.Gly253Val (NM_001166550.4); short protein forms G253V, G343V.
Identifiers: ClinVar variation 3255929 (VCV003255929.2).

ClinVar aggregate classification (germline): Likely pathogenic (1 of 4 stars; one submission).

Conditions:
Mucopolysaccharidosis, MPS-II (MPS2). Also called: Hunter Syndrome; IDURONATE 2-SULFATASE DEFICIENCY; Mucopolysaccharidosis Type II; Mucopolysaccharidosis type 2; Attenuated MPS (subtype; formerly known as mild MPS II); Severe MPS II. Identifiers: Orphanet 580, Orphanet 79388, MedGen C0026705, MONDO:0010674, OMIM 309900.

Submission:

Laboratory of Diagnosis and Therapy of Lysosomal Disorders, University of Padova
Classification: Likely pathogenic for Mucopolysaccharidosis, MPS-II. Last evaluated: 2024-06-07. Review status: criteria provided, single submitter. Criteria: ACMG Guidelines, 2015. Collection method: literature only. Allele origin: germline. Affected: yes. Observed: 1 variant allele.
Comment: Absent from controls (or at low frequency) in gnomAD database (PM2_Moderate), Missense variant in a gene with a low rate of benign missense variation (PP2_Supporting), Multiple lines of computational evidence support a deleterious effect (PP3_Supporting), Patient’s phenotype or family history highly specific for the disease (PP4_Strong)

Classification method: ACMG Guidelines [PMID:25741868] with modifications

Literature cited by the submitters: PubMed 36945845.